The following is an entry in ClinVar:

ClinVar aggregate classification (germline): Uncertain significance (1 of 4 stars; one submission).

Conditions:
Inborn genetic diseases. Identifiers: MedGen C0950123, MeSH D030342.

Submission:

Ambry Genetics
Classification: Uncertain significance for Inborn genetic diseases. Last evaluated: 2025-03-20. Review status: criteria provided, single submitter. Criteria: Ambry Variant Classification Scheme 2023. Collection method: clinical testing. Allele origin: germline.
Comment: The p.M159R variant (also known as c.476T>G), located in coding exon 4 of the CEP57 gene, results from a T to G substitution at nucleotide position 476. The methionine at codon 159 is replaced by arginine, an amino acid with similar properties. This amino acid position is conserved. In addition, this alteration is predicted to be tolerated by in silico analysis. Based on the available evidence, the clinical significance of this variant remains unclear.

NM_014679.5(CEP57):c.476T>G (p.Met159Arg)

Gene: CEP57 (centrosomal protein 57; plus strand). Cytogenetic location: 11q21.
Variant type: single nucleotide variant.
Coding change: c.476T>G on transcript NM_014679.5 (MANE Select); coding-DNA position 476, T replaced by G.
Protein change: p.Met159Arg; replaces methionine 159 with arginine.
Molecular consequence: missense variant.
Genome position (GRCh38, 1-based): chr11:95,813,561, T>G. VCF-style: chr11-95813561-T-G. GRCh37 (hg19) VCF-style: chr11-95546725-T-G.
Other names: c.449T>G, p.Met150Arg (NM_001243776.2); c.476T>G, p.Met159Arg (NM_001243777.2); c.395T>G, p.Met132Arg (NM_001363604.2); short protein forms M159R, M132R, M150R.
Identifiers: ClinVar variation 4000977 (VCV004000977.1).
Genomic context (GRCh38, chr11:95,813,561, plus strand): 5'-AATGCAATCTATTAGAAAAACAATTGGAATACATGCGAAATATGATAAAGCATGCCGAAA[T>G]GGAGAGGACATCTGTCTTAGAGAAACAAGTAAGTAAAGCACCTCACAGATTGATACTCAA-3'
Protein context (NP_055494.2, residues 149-169): YMRNMIKHAE[Met159Arg]ERTSVLEKQV